The following is an entry in ClinVar:

ClinVar aggregate classification (germline): Uncertain significance (1 of 4 stars; one submission).

Conditions:
Congenital contractural arachnodactyly (CCA). Also called: BEALS SYNDROME; Beals-Hecht syndrome; Arthrogryposis, distal, type 9. Identifiers: Orphanet 115, MedGen C0220668, MONDO:0007363, OMIM 121050.

Allele frequency attached by ClinVar (database versions not stated): gnomAD exomes 0.00001; ExAC 0.00002.
gnomAD v4.1: 8 of 1,613,930 alleles (0.0005%); highest among the groups gnomAD compares: Non-Finnish European, 0.00068%; no homozygotes.

Submission:

Labcorp Genetics (formerly Invitae), Labcorp
Classification: Uncertain significance for Congenital contractural arachnodactyly. Last evaluated: 2022-10-30. Review status: criteria provided, single submitter. Criteria: Invitae Variant Classification Sherloc (09022015). Collection method: clinical testing. Allele origin: germline.
Comment: This sequence change replaces glycine, which is neutral and non-polar, with aspartic acid, which is acidic and polar, at codon 880 of the FBN2 protein (p.Gly880Asp). This variant is present in population databases (rs750164133, gnomAD 0.004%). This variant has not been reported in the literature in individuals affected with FBN2-related conditions. Advanced modeling of protein sequence and biophysical properties (such as structural, functional, and spatial information, amino acid conservation, physicochemical variation, residue mobility, and thermodynamic stability) performed at Invitae indicates that this missense variant is not expected to disrupt FBN2 protein function. In summary, the available evidence is currently insufficient to determine the role of this variant in disease. Therefore, it has been classified as a Variant of Uncertain Significance.

NM_001999.4(FBN2):c.2639G>A (p.Gly880Asp)

Gene: FBN2 (fibrillin 2; minus strand). Cytogenetic location: 5q23.3.
Variant type: single nucleotide variant.
Coding change: c.2639G>A on transcript NM_001999.4 (MANE Select); coding-DNA position 2639, G replaced by A.
Protein change: p.Gly880Asp; replaces glycine 880 with aspartic acid.
Molecular consequence: missense variant.
Genome position (GRCh38, 1-based): chr5:128,357,311, C>T on the plus strand (G>A on the coding strand, the complement: FBN2 is on the minus strand). VCF-style: chr5-128357311-C-T. GRCh37 (hg19) VCF-style: chr5-127693003-C-T.
Other names: short protein forms G880D.
Identifiers: ClinVar variation 2904365 (VCV002904365.3), dbSNP rs750164133, ClinGen allele CA3395487.